The following is an entry in ClinVar:

ClinVar aggregate classification (germline): Uncertain significance. Review status: criteria provided, multiple submitters, no conflicts (2 of 4 stars). 2 submissions from 2 submitters: Uncertain significance (2). Last evaluated 2026-03-06.

Conditions:
Hereditary cancer-predisposing syndrome. Also called: Hereditary Cancer Syndrome; Neoplastic Syndromes, Hereditary; Tumor predisposition; Hereditary neoplastic syndrome. Identifiers: Orphanet 140162, MedGen C0027672, MeSH D009386, MONDO:0015356.
Peutz-Jeghers syndrome (PJS). Also called: POLYPOSIS, HAMARTOMATOUS INTESTINAL; POLYPS-AND-SPOTS SYNDROME; Peutz-Jeghers polyposis; Periorificial lentiginosis syndrome. Identifiers: Orphanet 2869, MedGen C0031269, MeSH D010580, MONDO:0008280, OMIM 175200.

Allele frequency attached by ClinVar (database versions not stated): gnomAD exomes below 0.00001.
gnomAD v4.1: 2 of 1,611,780 alleles (0.00012%); highest among the groups gnomAD compares: Non-Finnish European, 0.00017%; no homozygotes.

Submissions (2):

Ambry Genetics
Classification: Uncertain significance for Hereditary cancer-predisposing syndrome. Last evaluated: 2026-03-06. Review status: criteria provided, single submitter. Criteria: Ambry Variant Classification Scheme 2023. Collection method: clinical testing. Allele origin: germline.
Comment: The p.G268R variant (also known as c.802G>A), located in coding exon 6 of the STK11 gene, results from a G to A substitution at nucleotide position 802. The glycine at codon 268 is replaced by arginine, an amino acid with dissimilar properties. This amino acid position is highly conserved in available vertebrate species. In addition, the in silico prediction for this alteration is inconclusive. Based on the available evidence, the clinical significance of this variant remains unclear.

Labcorp Genetics (formerly Invitae), Labcorp
Classification: Uncertain significance for Peutz-Jeghers syndrome. Last evaluated: 2025-10-29. Review status: criteria provided, single submitter. Criteria: Invitae Variant Classification Sherloc (09022015). Collection method: clinical testing. Allele origin: germline.
Comment: This sequence change replaces glycine, which is neutral and non-polar, with arginine, which is basic and polar, at codon 268 of the STK11 protein (p.Gly268Arg). This variant is not present in population databases (gnomAD no frequency). This variant has not been reported in the literature in individuals affected with STK11-related conditions. ClinVar contains an entry for this variant (Variation ID: 1035524). Invitae Evidence Modeling of protein sequence and biophysical properties (such as structural, functional, and spatial information, amino acid conservation, physicochemical variation, residue mobility, and thermodynamic stability) has been performed for this missense variant. However, the output from this modeling did not meet the statistical confidence thresholds required to predict the impact of this variant on STK11 protein function. In summary, the available evidence is currently insufficient to determine the role of this variant in disease. Therefore, it has been classified as a Variant of Uncertain Significance.

NM_000455.5(STK11):c.802G>A (p.Gly268Arg)

Gene: STK11 (serine/threonine kinase 11; plus strand). Cytogenetic location: 19p13.3.
Variant type: single nucleotide variant.
Coding change: c.802G>A on transcript NM_000455.5 (MANE Select); coding-DNA position 802, G replaced by A.
Protein change: p.Gly268Arg; replaces glycine 268 with arginine.
Molecular consequence: missense variant.
Genome position (GRCh38, 1-based): chr19:1,221,280, G>A. VCF-style: chr19-1221280-G-A. GRCh37 (hg19) VCF-style: chr19-1221279-G-A.
Other names: c.802G>A (NM_000455.4); short protein forms G268R.
Identifiers: ClinVar variation 1035524 (VCV001035524.9), dbSNP rs2080782189, ClinGen allele CA402950562.
Genomic context (GRCh38, chr19:1,221,280, plus strand): 5'-ATCACCACGGGTCTGTACCCCTTCGAAGGGGACAACATCTACAAGTTGTTTGAGAACATC[G>A]GGAAGGGGAGCTACGCCATCCCGGGCGACTGTGGCCCCCCGCTCTCTGACCTGCTGAAAG-3'
Protein context (NP_000446.1, residues 258-278): DNIYKLFENI[Gly268Arg]KGSYAIPGDC